The following is an entry in ClinVar:

NM_002880.4(RAF1):c.667A>G (p.Arg223Gly)

Gene: RAF1 (Raf-1 proto-oncogene, serine/threonine kinase; minus strand). Cytogenetic location: 3p25.2.
Variant type: single nucleotide variant.
Coding change: c.667A>G on transcript NM_002880.4 (MANE Select); coding-DNA position 667, A replaced by G.
Protein change: p.Arg223Gly; replaces arginine 223 with glycine.
Molecular consequence: missense variant. On other transcripts: non-coding transcript variant (3), intron variant (2).
Genome position (GRCh38, 1-based): chr3:12,606,214, T>C on the plus strand (A>G on the coding strand, the complement: RAF1 is on the minus strand). VCF-style: chr3-12606214-T-C. GRCh37 (hg19) VCF-style: chr3-12647713-T-C.
Other names: c.667A>G, p.Arg223Gly (NM_001354689.3, NM_001354690.3); c.424A>G, p.Arg142Gly (NM_001354691.3, NM_001354692.3, NM_001354694.3); c.339-1925A>G (NM_001354695.3); c.582-1925A>G (NM_001354693.3); short protein forms R223G, R142G.
Identifiers: ClinVar variation 4996644 (VCV004996644.1).

ClinVar aggregate classification (germline): Uncertain significance (1 of 4 stars; one submission).

Conditions:
RAF1-related disorder. Also called: RAF1-related disorders; RAF1-related condition.

Submission:

PreventionGenetics, part of Exact Sciences
Classification: Uncertain significance for RAF1-related condition. Last evaluated: 2026-03-24. Review status: criteria provided, single submitter. Criteria: ACMG Guidelines, 2015. Collection method: clinical testing. Allele origin: germline.
Comment: The RAF1 c.667A>G variant is predicted to result in the amino acid substitution p.Arg223Gly. To our knowledge, this variant has not been reported in the literature or in a large population database (gnomAD), indicating this variant is rare. At this time, the clinical significance of this variant is uncertain due to the absence of conclusive functional and genetic evidence.